The following is an entry in ClinVar:

ClinVar aggregate classification (germline): Likely benign. Review status: criteria provided, multiple submitters, no conflicts (2 of 4 stars). 2 submissions from 2 submitters: Likely benign (2). Last evaluated 2024-11-13.

Allele frequency attached by ClinVar (database versions not stated): gnomAD exomes 0.00026; ExAC 0.00083; gnomAD 0.00257; ESP Exome Variant Server 0.00278; TOPMed 0.00294; 1000 Genomes Project 0.00359; 1000 Genomes Project 30x 0.00375.

Submissions (2):

Blueprint Genetics
Classification: Likely benign. Last evaluated: 2024-11-13. Review status: criteria provided, single submitter. Criteria: ACMG Guidelines, 2015. Collection method: clinical testing. Allele origin: germline.

CeGaT Center for Human Genetics Tuebingen
Classification: Likely benign. Last evaluated: 2023-10-01. Review status: criteria provided, single submitter. Criteria: CeGaT Center For Human Genetics Tuebingen Variant Classification Criteria Version 2. Collection method: clinical testing. Allele origin: germline. Affected: yes. Observed: 2 variant alleles.
Comment: INTS1: BP4, BP7, BS2

NM_001080453.3(INTS1):c.4497G>A (p.Gly1499=)

Gene: INTS1 (integrator complex subunit 1; minus strand). Cytogenetic location: 7p22.3.
Variant type: single nucleotide variant.
Coding change: c.4497G>A on transcript NM_001080453.3 (MANE Select); coding-DNA position 4497, G replaced by A.
Protein change: p.Gly1499=; no amino-acid change (glycine 1499 retained).
Molecular consequence: synonymous variant.
Genome position (GRCh38, 1-based): chr7:1,478,499, C>T on the plus strand (G>A on the coding strand, the complement: INTS1 is on the minus strand). VCF-style: chr7-1478499-C-T. GRCh37 (hg19) VCF-style: chr7-1518135-C-T.
Other names: c.1014G>A, p.Gly338= (NM_015674.1).
Identifiers: ClinVar variation 2657187 (VCV002657187.25), dbSNP rs10260307, ClinGen allele CA4118818.
Genomic context (GRCh38, chr7:1,478,499, plus strand): 5'-GGAGCTGACCACCTCCAGGTCCTGACGGAAGGCCAGGGCCTCGGCCAGGCGCAGGAGCCC[C>T]CCTCGCACTGTGGGAGGTCTGTGTGAGTGCCCTGTGGCTCCAGCCCTCACCCCATCGGTG-3'
Protein context (NP_001073922.2, residues 1489-1509): SAGRRLSDVR[Gly1499=]GLLRLAEALA